The following is an entry in ClinVar:

NM_000051.4(ATM):c.6610A>C (p.Lys2204Gln)

Genes: ATM (ATM serine/threonine kinase; plus strand), C11orf65 (chromosome 11 open reading frame 65; minus strand). Cytogenetic location: 11q22.3.
Variant type: single nucleotide variant.
Coding change: c.6610A>C on transcript NM_000051.4 (MANE Select); coding-DNA position 6610, A replaced by C.
Protein change: p.Lys2204Gln; replaces lysine 2204 with glutamine.
Molecular consequence: missense variant. On other transcripts: intron variant (2).
Genome position (GRCh38, 1-based): chr11:108,325,347, A>C. VCF-style: chr11-108325347-A-C. GRCh37 (hg19) VCF-style: chr11-108196074-A-C.
Other names: c.6610A>C, p.Lys2204Gln (NM_001351834.2); c.641-16276T>G (NM_001330368.2); c.*38+9873T>G (NM_001351110.2); short protein forms K2204Q.
Identifiers: ClinVar variation 945415 (VCV000945415.13), dbSNP rs2085553991, ClinGen allele CA382554721.

ClinVar aggregate classification (germline): Uncertain significance. Review status: criteria provided, multiple submitters, no conflicts (2 of 4 stars). 3 submissions from 3 submitters: Uncertain significance (3). Last evaluated 2024-03-06.

Conditions:
Hereditary cancer-predisposing syndrome. Also called: Tumor predisposition; Neoplastic Syndromes, Hereditary; Hereditary neoplastic syndrome; Hereditary Cancer Syndrome. Identifiers: Orphanet 140162, MedGen C0027672, MeSH D009386, MONDO:0015356.
Ataxia-telangiectasia syndrome (AT). Also called: Ataxia-telangiectasia, complementation group D; AT, COMPLEMENTATION GROUP C; ATAXIA-TELANGIECTASIA, COMPLEMENTATION GROUP A; ATAXIA-TELANGIECTASIA, FRESNO VARIANT; Ataxia-telangiectasia; Ataxia telangiectasia (A-T). Identifiers: Orphanet 100, MedGen C0004135, MONDO:0008840, OMIM 208900.

Submissions (3):

Color Diagnostics, LLC DBA Color Health
Classification: Uncertain significance for Hereditary cancer-predisposing syndrome. Last evaluated: 2024-03-06. Review status: criteria provided, single submitter. Criteria: ACMG Guidelines, 2015. Collection method: clinical testing. Allele origin: germline.
Comment: This missense variant replaces lysine with glutamine at codon 2204 of the ATM protein. Computational prediction suggests that this variant may not impact protein structure and function (internally defined REVEL score threshold <= 0.5, PMID: 27666373). To our knowledge, functional studies have not been reported for this variant. This variant has not been reported in individuals affected with hereditary cancer in the literature. This variant has not been identified in the general population by the Genome Aggregation Database (gnomAD). The available evidence is insufficient to determine the role of this variant in disease conclusively. Therefore, this variant is classified as a Variant of Uncertain Significance.

Labcorp Genetics (formerly Invitae), Labcorp
Classification: Uncertain significance for Ataxia-telangiectasia syndrome. Last evaluated: 2021-06-11. Review status: criteria provided, single submitter. Criteria: Invitae Variant Classification Sherloc (09022015). Collection method: clinical testing. Allele origin: germline.
Comment: Algorithms developed to predict the effect of missense changes on protein structure and function are either unavailable or do not agree on the potential impact of this missense change (SIFT: "Tolerated"; PolyPhen-2: "Possibly Damaging"; Align-GVGD: "Class C0"). This variant has not been reported in the literature in individuals with ATM-related conditions. In summary, the available evidence is currently insufficient to determine the role of this variant in disease. Therefore, it has been classified as a Variant of Uncertain Significance. This sequence change replaces lysine with glutamine at codon 2204 of the ATM protein (p.Lys2204Gln). The lysine residue is highly conserved and there is a small physicochemical difference between lysine and glutamine. This variant is not present in population databases (ExAC no frequency).

Ambry Genetics
Classification: Uncertain significance for Hereditary cancer-predisposing syndrome. Last evaluated: 2020-03-28. Review status: criteria provided, single submitter. Criteria: Ambry Variant Classification Scheme 2023. Collection method: clinical testing. Allele origin: germline.
Comment: The p.K2204Q variant (also known as c.6610A>C), located in coding exon 45 of the ATM gene, results from an A to C substitution at nucleotide position 6610. The lysine at codon 2204 is replaced by glutamine, an amino acid with similar properties. This amino acid position is well conserved in available vertebrate species. In addition, this alteration is predicted to be tolerated by in silico analysis. Since supporting evidence is limited at this time, the clinical significance of this alteration remains unclear.